The following is an entry in ClinVar:

ClinVar aggregate classification (germline): Likely pathogenic. Review status: criteria provided, multiple submitters, no conflicts (2 of 4 stars). 2 submissions from 2 submitters: Likely pathogenic (2). Last evaluated 2025-10-23.

Conditions:
Hypophosphatasia. Also called: Phosphoethanol-aminuria. Identifiers: Orphanet 436, MedGen C0020630, MeSH D007014, MONDO:0018570.

gnomAD v4.1: 4 of 1,613,922 alleles (0.00025%); highest among the groups gnomAD compares: South Asian, 0.0011%; no homozygotes.

Submissions (2):

JKU Lab, Dept of Paediatrics, Johannes Kepler University
Classification: Likely pathogenic for Hypophosphatasia. Last evaluated: 2025-10-23. Review status: criteria provided, single submitter. Criteria: ACMG Guidelines, 2015. Collection method: curation, in vitro. Allele origin: germline, not applicable. Affected: yes. Functional consequence: decreased enzyme activity.
Comment: This missense variant is present in GnomAD 4.1 (f = 6.800e-7) and affects a highly conserved amino acid in the calcium site domain. The variant is predicted to affect protein function (REVEL score: 0.796). Splice-prediction algorithms predict no effect on splicing. In vitro functional studies showed reduced ALP activity without a dominant negative effect. This variant has been reported in the literature in individuals affected by ALPL-related conditions (PMID:35498405). The results of the functional testing and the applied ACMG criteria can be viewed at an online resource

Genomenon, Inc
Classification: Likely pathogenic for Hypophosphatasia. Last evaluated: 2025-08-29. Review status: criteria provided, single submitter. Criteria: Genomenon Sequence Variant Interpretation Standards. Collection method: curation. Allele origin: germline. Affected: yes.
Comment: ALPL c.875C>T is a missense variant that changes the amino acid at residue 292 from Proline to Leucine. This variant has been observed in a proband affected with hypophosphatasia (PMID:35498405). At least one functional study has demonstrated a substantial alteration in protein function relative to the wild-type (PMID:35498405). It is absent or not present at a significant frequency in gnomAD. In silico models agree that this variant is possibly or probably damaging. In conclusion, we classify ALPL p.Pro292Leu (c.875C>T) as a likely pathogenic variant.

Literature cited by the submitters: PubMed 35498405 (cited by JKU Lab, Dept of Paediatrics, Johannes Kepler University and Genomenon, Inc).

NM_000478.6(ALPL):c.875C>T (p.Pro292Leu)

Gene: ALPL (alkaline phosphatase, biomineralization associated; plus strand). Cytogenetic location: 1p36.12.
Variant type: single nucleotide variant.
Coding change: c.875C>T on transcript NM_000478.6 (MANE Select); coding-DNA position 875, C replaced by T.
Protein change: p.Pro292Leu; replaces proline 292 with leucine.
Molecular consequence: missense variant.
Genome position (GRCh38, 1-based): chr1:21,573,677, C>T. VCF-style: chr1-21573677-C-T. GRCh37 (hg19) VCF-style: chr1-21900170-C-T.
Other names: c.710C>T, p.Pro237Leu (NM_001127501.4); c.644C>T, p.Pro215Leu (NM_001177520.3); c.875C>T, p.Pro292Leu (NM_001369803.2, NM_001369804.2, NM_001369805.2); short protein forms P215L, P237L, P292L.
Identifiers: ClinVar variation 4086841 (VCV004086841.2).